The following is an entry in ClinVar:

NM_018105.3(THAP1):c.247T>C (p.Cys83Arg)

Gene: THAP1 (THAP domain containing 1; minus strand). Cytogenetic location: 8p11.21.
Variant type: single nucleotide variant.
Coding change: c.247T>C on transcript NM_018105.3 (MANE Select); coding-DNA position 247, T replaced by C.
Protein change: p.Cys83Arg; replaces cysteine 83 with arginine.
Molecular consequence: missense variant. On other transcripts: intron variant (1).
Genome position (GRCh38, 1-based): chr8:42,839,206, A>G on the plus strand (T>C on the coding strand, the complement: THAP1 is on the minus strand). VCF-style: chr8-42839206-A-G. GRCh37 (hg19) VCF-style: chr8-42694349-A-G.
Other names: c.72-870T>C (NM_199003.2); short protein forms C83R.
Identifiers: ClinVar variation 2730858 (VCV002730858.3), dbSNP rs768017019, ClinGen allele CA4734582.

ClinVar aggregate classification (germline): Uncertain significance (1 of 4 stars; one submission).

Conditions:
Torsion dystonia 6 (DYT6). Also called: DYT-THAP1. Identifiers: Orphanet 98806, MedGen C1414216, MONDO:0011264, OMIM 602629.

Allele frequency attached by ClinVar (database versions not stated): TOPMed below 0.00001; ExAC 0.00001; gnomAD 0.00001; gnomAD exomes 0.00002.

Submission:

Labcorp Genetics (formerly Invitae), Labcorp
Classification: Uncertain significance for Torsion dystonia 6. Last evaluated: 2023-12-11. Review status: criteria provided, single submitter. Criteria: Invitae Variant Classification Sherloc (09022015). Collection method: clinical testing. Allele origin: germline.
Comment: This sequence change replaces cysteine, which is neutral and slightly polar, with arginine, which is basic and polar, at codon 83 of the THAP1 protein (p.Cys83Arg). This variant is present in population databases (rs768017019, gnomAD 0.0009%). This missense change has been observed in individual(s) with cervical dystonia (PMID: 20669277, 21782490). An algorithm developed to predict the effect of missense changes on protein structure and function (PolyPhen-2) suggests that this variant is likely to be tolerated. In summary, the available evidence is currently insufficient to determine the role of this variant in disease. Therefore, it has been classified as a Variant of Uncertain Significance.

Literature cited by the submitters: PubMed 20669277; PubMed 21782490.